The following is an entry in ClinVar:

ClinVar aggregate classification (germline): Uncertain significance (1 of 4 stars; one submission).

Conditions:
Autosomal dominant nonsyndromic hearing loss 1. Also called: KONIGSMARK SYNDROME; DEAFNESS, AUTOSOMAL DOMINANT 1, WITH OR WITHOUT THROMBOCYTOPENIA. Identifiers: Orphanet 90635, MedGen C1852282, MONDO:0007424, OMIM 124900.
Progressive microcephaly-seizures-cortical blindness-developmental delay syndrome. Also called: Seizures, cortical blindness, and microcephaly syndrome. Identifiers: Orphanet 477814, MedGen C5567650, MONDO:0014714, OMIM 616632.

Allele frequency attached by ClinVar (database versions not stated): gnomAD exomes below 0.00001; TOPMed 0.00001.
gnomAD v4.1: 1 of 1,612,554 alleles (0.000062%); highest among the groups gnomAD compares: Non-Finnish European, 0.000085%; no homozygotes.

Submission:

Labcorp Genetics (formerly Invitae), Labcorp
Classification: Uncertain significance for Progressive microcephaly-seizures-cortical blindness-developmental delay syndrome; Autosomal dominant nonsyndromic hearing loss 1. Last evaluated: 2022-03-10. Review status: criteria provided, single submitter. Criteria: Invitae Variant Classification Sherloc (09022015). Collection method: clinical testing. Allele origin: germline.
Comment: This variant has not been reported in the literature in individuals affected with DIAPH1-related conditions. This variant is not present in population databases (gnomAD no frequency). This sequence change replaces asparagine, which is neutral and polar, with isoleucine, which is neutral and non-polar, at codon 422 of the DIAPH1 protein (p.Asn422Ile). Algorithms developed to predict the effect of missense changes on protein structure and function are either unavailable or do not agree on the potential impact of this missense change (SIFT: "Deleterious"; PolyPhen-2: "Not Available"; Align-GVGD: "Class C0"). In summary, the available evidence is currently insufficient to determine the role of this variant in disease. Therefore, it has been classified as a Variant of Uncertain Significance.

NM_005219.5(DIAPH1):c.1265A>T (p.Asn422Ile)

Gene: DIAPH1 (diaphanous related formin 1; minus strand). Cytogenetic location: 5q31.3.
Variant type: single nucleotide variant.
Coding change: c.1265A>T on transcript NM_005219.5 (MANE Select); coding-DNA position 1265, A replaced by T.
Protein change: p.Asn422Ile; replaces asparagine 422 with isoleucine.
Molecular consequence: missense variant.
Genome position (GRCh38, 1-based): chr5:141,577,490, T>A on the plus strand (A>T on the coding strand, the complement: DIAPH1 is on the minus strand). VCF-style: chr5-141577490-T-A. GRCh37 (hg19) VCF-style: chr5-140957057-T-A.
Other names: c.1238A>T, p.Asn413Ile (NM_001079812.3); c.1265A>T, p.Asn422Ile (NM_001314007.2); short protein forms N422I, N413I.
Identifiers: ClinVar variation 2108339 (VCV002108339.4), dbSNP rs1023086375, ClinGen allele CA128439427.